The following is an entry in ClinVar:

NM_002528.7(NTHL1):c.29C>T (p.Thr10Ile)

Gene: NTHL1 (nth like DNA glycosylase 1; minus strand). Cytogenetic location: 16p13.3.
Variant type: single nucleotide variant.
Coding change: c.29C>T on transcript NM_002528.7 (MANE Select); coding-DNA position 29, C replaced by T.
Protein change: p.Thr10Ile; replaces threonine 10 with isoleucine.
Molecular consequence: missense variant. On other transcripts: 5 prime UTR variant (1).
Genome position (GRCh38, 1-based): chr16:2,047,795, G>A on the plus strand (C>T on the coding strand, the complement: NTHL1 is on the minus strand). VCF-style: chr16-2047795-G-A. GRCh37 (hg19) VCF-style: chr16-2097796-G-A.
Other names: c.29C>T, p.Thr10Ile (NM_001318193.2); c.-150C>T (NM_001318194.2); short protein forms T10I.
Identifiers: ClinVar variation 1415393 (VCV001415393.9), dbSNP rs370539291, ClinGen allele CA027763.
Genomic context (GRCh38, chr16:2,047,795, plus strand): 5'-GGCCCGGGCTCCTCCCTACACCCCCGCGGCCCAGCCCCGGGTCCCAGGCTCCGGCTCCGG[G>A]TCAGCATCCTCGCGCTCAAGGCGGTCATGCCGGACTCCTGCGGACTACACATCCCGGCGG-3'
Protein context (NP_002519.2, residues 1-20): MTALSARML[Thr10Ile]RSRSLGPGAG

ClinVar aggregate classification (germline): Uncertain significance. Review status: criteria provided, multiple submitters, no conflicts (2 of 4 stars). 3 submissions from 3 submitters: Uncertain significance (3). Last evaluated 2024-05-12.

Conditions:
Familial adenomatous polyposis 3. Also called: NTHL1-related attenuated familial adenomatous polyposis; NTHL1 Tumor Syndrome; NTHL1-associated polyposis; NTHL1-Related Adenomatous Polyposis and Colorectal Cancer. Identifiers: Orphanet 220460, Orphanet 454840, MedGen C4225157, MONDO:0014630, OMIM 616415.
Hereditary cancer-predisposing syndrome. Also called: Hereditary Cancer Syndrome; Neoplastic Syndromes, Hereditary; Hereditary neoplastic syndrome; Tumor predisposition. Identifiers: Orphanet 140162, MedGen C0027672, MeSH D009386, MONDO:0015356.

gnomAD v4.1: 9 of 1,591,802 alleles (0.00057%); highest among the groups gnomAD compares: Admixed American, 0.0017%; no homozygotes.

Submissions (3):

Labcorp Genetics (formerly Invitae), Labcorp
Classification: Uncertain significance. Last evaluated: 2024-05-12. Review status: criteria provided, single submitter. Criteria: Invitae Variant Classification Sherloc (09022015). Collection method: clinical testing. Allele origin: germline.
Comment: This sequence change replaces threonine, which is neutral and polar, with isoleucine, which is neutral and non-polar, at codon 18 of the NTHL1 protein (p.Thr18Ile). The frequency data for this variant in the population databases is considered unreliable, as metrics indicate poor data quality at this position in the gnomAD database. This variant has not been reported in the literature in individuals affected with NTHL1-related conditions. ClinVar contains an entry for this variant (Variation ID: 1415393). An algorithm developed to predict the effect of missense changes on protein structure and function (PolyPhen-2) suggests that this variant is likely to be disruptive. In summary, the available evidence is currently insufficient to determine the role of this variant in disease. Therefore, it has been classified as a Variant of Uncertain Significance.

Baylor Genetics
Classification: Uncertain significance for Familial adenomatous polyposis 3. Last evaluated: 2023-11-17. Review status: criteria provided, single submitter. Criteria: ACMG Guidelines, 2015. Collection method: clinical testing. Allele origin: unknown.

Ambry Genetics
Classification: Uncertain significance for Hereditary cancer-predisposing syndrome. Last evaluated: 2023-10-25. Review status: criteria provided, single submitter. Criteria: Ambry Variant Classification Scheme 2023. Collection method: clinical testing. Allele origin: germline.
Comment: The p.T18I variant (also known as c.53C>T), located in coding exon 1 of the NTHL1 gene, results from a C to T substitution at nucleotide position 53. The threonine at codon 18 is replaced by isoleucine, an amino acid with similar properties. This amino acid position is well conserved in available vertebrate species. In addition, this alteration is predicted to be tolerated by in silico analysis. Since supporting evidence is limited at this time, the clinical significance of this alteration remains unclear.